The following is an entry in ClinVar:

ClinVar aggregate classification (germline): Likely pathogenic (1 of 4 stars; one submission).

Conditions:
Inborn genetic diseases. Identifiers: MedGen C0950123, MeSH D030342.

Submissions (2):

Ambry Genetics
Classification: Likely pathogenic for Inborn genetic diseases. Last evaluated: 2025-12-10. Review status: criteria provided, single submitter. Criteria: Ambry Variant Classification Scheme 2023. Collection method: clinical testing. Allele origin: germline.
Comment: The c.1292-1G>C intronic variant consists of a G to C substitution one nucleotide before exon 13 (coding exon 12) of the PPOX gene. This alteration occurs at the 3' terminus of the PPOX gene, is not expected to trigger nonsense-mediated mRNA decay, and only impacts the last 9.85% of the protein. The exact functional effect of this alteration is unknown; however, the region predicted to be impacted is critical for protein function and a significant portion of the protein is affected (Ambry internal data). This variant was not reported in population-based cohorts in the Genome Aggregation Database (gnomAD). This nucleotide position is highly conserved in available vertebrate species. In silico splice site analysis predicts that this alteration will weaken the native splice acceptor site and will result in the creation or strengthening of a novel splice acceptor site. Based on the available evidence, this alteration is classified as likely pathogenic.

Dr. Peter K. Rogan Lab, Western University
No classification provided (evidence only). Condition: Malignant tumor of urinary bladder. Review status: no classification provided. Collection method: in vitro. Allele origin: not applicable. Functional consequence: cryptic splice site, retained intron. Not counted in ClinVar's aggregate classification.

NM_001122764.3(PPOX):c.1292-1G>C

Gene: PPOX (protoporphyrinogen oxidase; plus strand). Cytogenetic location: 1q23.3.
Variant type: single nucleotide variant.
Coding change: c.1292-1G>C on transcript NM_001122764.3 (MANE Select); the canonical splice acceptor site of the intron before coding-DNA position 1292, G replaced by C.
Molecular consequence: splice acceptor variant.
Genome position (GRCh38, 1-based): chr1:161,171,033, G>C. VCF-style: chr1-161171033-G-C. GRCh37 (hg19) VCF-style: chr1-161140823-G-C.
Other names: NC_000001.10:g.161140823G>C; c.806-1G>C (NM_001350130.2, NM_001350131.2, NM_001365401.1); c.1193-1G>C (NM_001350128.2); c.884-1G>C (NM_001350129.2, NM_001365400.1); c.1181-1G>C (NM_001365399.1); c.1292-1G>C (NM_000309.5, NM_001365398.1, NM_000309.3).
Identifiers: ClinVar variation 4312496 (VCV004312496.2).